The following is an entry in ClinVar:

NM_018417.6(ADCY10):c.3649C>T (p.Arg1217Cys)

Gene: ADCY10 (adenylate cyclase 10; minus strand). Cytogenetic location: 1q24.2.
Variant type: single nucleotide variant.
Coding change: c.3649C>T on transcript NM_018417.6 (MANE Select); coding-DNA position 3649, C replaced by T.
Protein change: p.Arg1217Cys; replaces arginine 1217 with cysteine.
Molecular consequence: missense variant.
Genome position (GRCh38, 1-based): chr1:167,829,368, G>A on the plus strand (C>T on the coding strand, the complement: ADCY10 is on the minus strand). VCF-style: chr1-167829368-G-A. GRCh37 (hg19) VCF-style: chr1-167798606-G-A.
Other names: c.3190C>T, p.Arg1064Cys (NM_001167749.3); c.3373C>T, p.Arg1125Cys (NM_001297772.2); short protein forms R1064C, R1125C, R1217C.
Identifiers: ClinVar variation 3605957 (VCV003605957.2).

ClinVar aggregate classification (germline): Uncertain significance (1 of 4 stars; one submission).

gnomAD v4.1: 9 of 1,614,044 alleles (0.00056%); highest among the groups gnomAD compares: Admixed American, 0.0017%; no homozygotes.

Submission:

Labcorp Genetics (formerly Invitae), Labcorp
Classification: Uncertain significance. Last evaluated: 2025-03-05. Review status: criteria provided, single submitter. Criteria: Invitae Variant Classification Sherloc (09022015). Collection method: clinical testing. Allele origin: germline.
Comment: This sequence change replaces arginine, which is basic and polar, with cysteine, which is neutral and slightly polar, at codon 1217 of the ADCY10 protein (p.Arg1217Cys). This variant is present in population databases (rs754372156, gnomAD 0.0009%). This variant has not been reported in the literature in individuals affected with ADCY10-related conditions. An algorithm developed to predict the effect of missense changes on protein structure and function (PolyPhen-2) suggests that this variant is likely to be disruptive. In summary, the available evidence is currently insufficient to determine the role of this variant in disease. Therefore, it has been classified as a Variant of Uncertain Significance.